The following is an entry in ClinVar:

ClinVar aggregate classification (germline): Uncertain significance (1 of 4 stars; one submission).

Submission:

Dasa
Classification: Uncertain significance. Last evaluated: 2026-01-12. Review status: criteria provided, single submitter. Criteria: DASA Assertion Criteria. Collection method: clinical testing. Allele origin: germline.
Comment: NM_000540.3(RYR1):c.6794T>C (p.Leu2265Pro) is a missense variant that results in the substitution of leucine with proline. This variant is rare in population databases. Computational prediction algorithms are consistent with a deleterious effect. The currently available literature and clinical evidence are not sufficient to establish a definitive association between this variant and the reported condition. Therefore, this variant is classified as a variant of uncertain significance.

NM_000540.3(RYR1):c.6794T>C (p.Leu2265Pro)

Gene: RYR1 (ryanodine receptor 1; plus strand). Cytogenetic location: 19q13.2.
Variant type: single nucleotide variant.
Coding change: c.6794T>C on transcript NM_000540.3 (MANE Select); coding-DNA position 6794, T replaced by C.
Protein change: p.Leu2265Pro; replaces leucine 2265 with proline.
Molecular consequence: missense variant.
Genome position (GRCh38, 1-based): chr19:38,496,539, T>C. VCF-style: chr19-38496539-T-C. GRCh37 (hg19) VCF-style: chr19-38987179-T-C.
Other names: c.6794T>C, p.Leu2265Pro (NM_001042723.2); short protein forms L2265P.
Identifiers: ClinVar variation 4852717 (VCV004852717.2).